The following is an entry in ClinVar:

NM_020338.4(ZMIZ1):c.3058G>T (p.Ala1020Ser)

Gene: ZMIZ1 (zinc finger MIZ-type containing 1; plus strand). Cytogenetic location: 10q22.3.
Variant type: single nucleotide variant.
Coding change: c.3058G>T on transcript NM_020338.4 (MANE Select); coding-DNA position 3058, G replaced by T.
Protein change: p.Ala1020Ser; replaces alanine 1020 with serine.
Molecular consequence: missense variant.
Genome position (GRCh38, 1-based): chr10:79,311,146, G>T. VCF-style: chr10-79311146-G-T. GRCh37 (hg19) VCF-style: chr10-81070903-G-T.
Other names: short protein forms A1020S.
Identifiers: ClinVar variation 2263936 (VCV002263936.5), dbSNP rs374759693, ClinGen allele CA5573178.

ClinVar aggregate classification (germline): Uncertain significance. Review status: criteria provided, multiple submitters, no conflicts (2 of 4 stars). 2 submissions from 2 submitters: Uncertain significance (2). Last evaluated 2025-06-23.

Conditions:
Inborn genetic diseases. Identifiers: MedGen C0950123, MeSH D030342.

Allele frequency attached by ClinVar (database versions not stated): ESP Exome Variant Server 0.00008; TOPMed 0.00008; ExAC 0.00001; gnomAD 0.00009; gnomAD exomes 0.00001.
gnomAD v4.1: 29 of 1,613,448 alleles (0.0018%); highest among the groups gnomAD compares: African/African-American, 0.036%; no homozygotes.

Submissions (2):

Labcorp Genetics (formerly Invitae), Labcorp
Classification: Uncertain significance. Last evaluated: 2025-06-23. Review status: criteria provided, single submitter. Criteria: Invitae Variant Classification Sherloc (09022015). Collection method: clinical testing. Allele origin: germline.
Comment: This sequence change replaces alanine, which is neutral and non-polar, with serine, which is neutral and polar, at codon 1020 of the ZMIZ1 protein (p.Ala1020Ser). This variant is present in population databases (rs374759693, gnomAD 0.03%). This variant has not been reported in the literature in individuals affected with ZMIZ1-related conditions. ClinVar contains an entry for this variant (Variation ID: 2263936). Invitae Evidence Modeling of protein sequence and biophysical properties (such as structural, functional, and spatial information, amino acid conservation, physicochemical variation, residue mobility, and thermodynamic stability) indicates that this missense variant is not expected to disrupt ZMIZ1 protein function with a negative predictive value of 95%. In summary, the available evidence is currently insufficient to determine the role of this variant in disease. Therefore, it has been classified as a Variant of Uncertain Significance.

Ambry Genetics
Classification: Uncertain significance for Inborn genetic diseases. Last evaluated: 2021-12-03. Review status: criteria provided, single submitter. Criteria: Ambry Variant Classification Scheme 2023. Collection method: clinical testing. Allele origin: germline.